The following is an entry in ClinVar:

ClinVar aggregate classification (germline): Uncertain significance (1 of 4 stars; one submission).

Conditions:
Early-infantile DEE. Also called: Ohtahara syndrome; Early infantile epileptic encephalopathy; Early infantile epileptic encephalopathy with suppression bursts. Identifiers: Orphanet 1934, MedGen C0393706, MONDO:0800491.

Submission:

Labcorp Genetics (formerly Invitae), Labcorp
Classification: Uncertain significance for Early-infantile DEE. Last evaluated: 2022-05-16. Review status: criteria provided, single submitter. Criteria: Invitae Variant Classification Sherloc (09022015). Collection method: clinical testing. Allele origin: germline.
Comment: This sequence change replaces aspartic acid, which is acidic and polar, with valine, which is neutral and non-polar, at codon 1029 of the SCN8A protein (p.Asp1029Val). This variant is not present in population databases (gnomAD no frequency). This variant has not been reported in the literature in individuals affected with SCN8A-related conditions. Algorithms developed to predict the effect of missense changes on protein structure and function are either unavailable or do not agree on the potential impact of this missense change (SIFT: "Deleterious"; PolyPhen-2: "Possibly Damaging"; Align-GVGD: "Class C15"). In summary, the available evidence is currently insufficient to determine the role of this variant in disease. Therefore, it has been classified as a Variant of Uncertain Significance.

NM_001330260.2(SCN8A):c.3086A>T (p.Asp1029Val)

Gene: SCN8A (sodium voltage-gated channel alpha subunit 8; plus strand). Cytogenetic location: 12q13.13.
Variant type: single nucleotide variant.
Coding change: c.3086A>T on transcript NM_001330260.2 (MANE Select); coding-DNA position 3086, A replaced by T.
Protein change: p.Asp1029Val; replaces aspartic acid 1029 with valine.
Molecular consequence: missense variant.
Genome position (GRCh38, 1-based): chr12:51,769,049, A>T. VCF-style: chr12-51769049-A-T. GRCh37 (hg19) VCF-style: chr12-52162833-A-T.
Other names: c.3086A>T, p.Asp1029Val (NM_001177984.3, NM_001369788.1, NM_014191.4); short protein forms D1029V.
Identifiers: ClinVar variation 1995109 (VCV001995109.4), dbSNP rs2540266209, ClinGen allele CA384892360.